The following is an entry in ClinVar:

ClinVar aggregate classification (germline): Benign/Likely benign. Review status: criteria provided, multiple submitters, no conflicts (2 of 4 stars). 7 submissions from 7 submitters: Benign (1); Likely benign (6). Last evaluated 2025-11-05.

Conditions:
Familial cancer of breast. Also called: BREAST CANCER, FAMILIAL; hereditary breast carcinoma; Hereditary breast cancer. Identifiers: Orphanet 227535, MedGen C0346153, MONDO:0016419, OMIM 114480. Disease mechanism: loss of function.
Ovarian cancer. Also called: OVARIAN CANCER, SOMATIC. Identifiers: Orphanet 213500, MedGen C1140680, MONDO:0008170, OMIM 167000.
Breast and/or ovarian cancer. Identifiers: MedGen CN221562.
Hereditary cancer-predisposing syndrome. Also called: Tumor predisposition; Hereditary Cancer Syndrome; Hereditary neoplastic syndrome; Neoplastic Syndromes, Hereditary. Identifiers: Orphanet 140162, MedGen C0027672, MeSH D009386, MONDO:0015356.
Hereditary diffuse gastric adenocarcinoma (HDGC). Also called: DIFFUSE GASTRIC AND LOBULAR BREAST CANCER SYNDROME. Identifiers: Orphanet 26106, MedGen C1708349, MONDO:0007648, OMIM 137215.

Allele frequency attached by ClinVar (database versions not stated): TOPMed below 0.00001; gnomAD 0.00001; gnomAD exomes 0.00001; ExAC 0.00002; ESP Exome Variant Server 0.00008.
gnomAD v4.1: 43 of 1,614,076 alleles (0.0027%); highest among the groups gnomAD compares: Non-Finnish European, 0.0036%; no homozygotes.

Submissions (7):

Labcorp Genetics (formerly Invitae), Labcorp
Classification: Likely benign for Hereditary diffuse gastric adenocarcinoma. Last evaluated: 2025-11-05. Review status: criteria provided, single submitter. Criteria: Invitae Variant Classification Sherloc (09022015). Collection method: clinical testing. Allele origin: germline.

Myriad Genetics, Inc.
Classification: Benign for Hereditary diffuse gastric adenocarcinoma. Last evaluated: 2024-09-13. Review status: criteria provided, single submitter. Criteria: Myriad Autosomal Dominant, Autosomal Recessive and X-Linked Classification Criteria (2023). Collection method: clinical testing. Allele origin: unknown.
Comment: This variant is considered benign. This variant is a silent/synonymous amino acid change and it is not expected to impact splicing.

Department of Pathology and Laboratory Medicine, Sinai Health System
Classification: Likely benign for Familial cancer of breast; Ovarian cancer. Last evaluated: 2023-08-10. Review status: criteria provided, single submitter. Criteria: ACMG Guidelines, 2015. Collection method: clinical testing. Allele origin: germline. Affected: yes.

CHEO Genetics Diagnostic Laboratory, Children's Hospital of Eastern Ontario
Classification: Likely benign for Breast and/or ovarian cancer. Last evaluated: 2022-10-03. Review status: criteria provided, single submitter. Criteria: ACMG Guidelines, 2015. Collection method: clinical testing. Allele origin: germline.

Women's Health and Genetics/Laboratory Corporation of America, LabCorp
Classification: Likely benign. Last evaluated: 2019-08-28. Review status: criteria provided, single submitter. Criteria: LabCorp Variant Classification Summary - May 2015. Collection method: clinical testing. Allele origin: germline.

Color Diagnostics, LLC DBA Color Health
Classification: Likely benign for Hereditary cancer-predisposing syndrome. Last evaluated: 2017-04-05. Review status: criteria provided, single submitter. Criteria: ACMG Guidelines, 2015. Collection method: clinical testing. Allele origin: germline.

Ambry Genetics
Classification: Likely benign for Hereditary cancer-predisposing syndrome. Last evaluated: 2014-08-20. Review status: criteria provided, single submitter. Criteria: Ambry Variant Classification Scheme 2023. Collection method: clinical testing. Allele origin: germline.

NM_004360.5(CDH1):c.627A>G (p.Arg209=)

Gene: CDH1 (cadherin 1; plus strand). Cytogenetic location: 16q22.1.
Variant type: single nucleotide variant.
Coding change: c.627A>G on transcript NM_004360.5 (MANE Select); coding-DNA position 627, A replaced by G.
Protein change: p.Arg209=; no amino-acid change (arginine 209 retained).
Molecular consequence: synonymous variant. On other transcripts: 5 prime UTR variant (2).
Genome position (GRCh38, 1-based): chr16:68,808,788, A>G. VCF-style: chr16-68808788-A-G. GRCh37 (hg19) VCF-style: chr16-68842691-A-G.
Other names: c.627A>G (LRG_301t1); c.627A>G, p.Arg209= (NM_001317184.2); c.-989A>G (NM_001317185.2); c.-1193A>G (NM_001317186.2).
Identifiers: ClinVar variation 184575 (VCV000184575.22), dbSNP rs371601956, ClinGen allele CA189343.